The following is an entry in ClinVar:

ClinVar aggregate classification (germline): Pathogenic (1 of 4 stars; one submission).

Conditions:
Marfan syndrome (MFS). Also called: Marfan syndrome, classic; Marfan syndrome type 1; Marfan's syndrome; MARFAN SYNDROME, TYPE I; FBN1-Related Marfan Syndrome. Identifiers: Orphanet 284963, Orphanet 558, MedGen C0024796, MONDO:0007947, OMIM 154700.
Familial thoracic aortic aneurysm and aortic dissection (TAAD). Also called: Thoracic aortic aneurysms and dissections. Identifiers: Orphanet 91387, MedGen C4707243, MONDO:0019625.

Submission:

Labcorp Genetics (formerly Invitae), Labcorp
Classification: Pathogenic for Marfan syndrome; Familial thoracic aortic aneurysm and aortic dissection. Last evaluated: 2024-08-28. Review status: criteria provided, single submitter. Criteria: Invitae Variant Classification Sherloc (09022015). Collection method: clinical testing. Allele origin: germline.
Comment: This sequence change creates a premature translational stop signal (p.Gln137*) in the FBN1 gene. It is expected to result in an absent or disrupted protein product. Loss-of-function variants in FBN1 are known to be pathogenic (PMID: 17657824, 19293843). This variant is not present in population databases (gnomAD no frequency). This variant has not been reported in the literature in individuals affected with FBN1-related conditions. ClinVar contains an entry for this variant (Variation ID: 406307). Algorithms developed to predict the effect of sequence changes on RNA splicing suggest that this variant may disrupt the consensus splice site. For these reasons, this variant has been classified as Pathogenic.

Literature cited by the submitters: PubMed 17657824; PubMed 19293843.

NM_000138.5(FBN1):c.409C>T (p.Gln137Ter)

Gene: FBN1 (fibrillin 1; minus strand). Cytogenetic location: 15q21.1.
Variant type: single nucleotide variant.
Coding change: c.409C>T on transcript NM_000138.5 (MANE Select); coding-DNA position 409, C replaced by T.
Protein change: p.Gln137Ter; replaces glutamine 137 with a stop codon.
Molecular consequence: nonsense.
Genome position (GRCh38, 1-based): chr15:48,600,172, G>A on the plus strand (C>T on the coding strand, the complement: FBN1 is on the minus strand). VCF-style: chr15-48600172-G-A. GRCh37 (hg19) VCF-style: chr15-48892369-G-A.
Other names: short protein forms Q137*.
Identifiers: ClinVar variation 406307 (VCV000406307.9), dbSNP rs1060501047, ClinGen allele CA16614846.